The following is an entry in ClinVar:

NM_005732.4(RAD50):c.3922G>A (p.Gly1308Arg)

Genes: RAD50 (RAD50 double strand break repair protein; plus strand), TH2LCRR (T helper type 2 locus control region associated RNA; minus strand). Cytogenetic location: 5q31.1.
Variant type: single nucleotide variant.
Coding change: c.3922G>A on transcript NM_005732.4 (MANE Select); coding-DNA position 3922, G replaced by A.
Protein change: p.Gly1308Arg; replaces glycine 1308 with arginine.
Molecular consequence: missense variant.
Genome position (GRCh38, 1-based): chr5:132,642,347, G>A. VCF-style: chr5-132642347-G-A. GRCh37 (hg19) VCF-style: chr5-131978039-G-A.
Other names: short protein forms G1308R.
Identifiers: ClinVar variation 1736212 (VCV001736212.8), dbSNP rs2479440952, ClinGen allele CA360937667.

ClinVar aggregate classification (germline): Uncertain significance. Review status: criteria provided, multiple submitters, no conflicts (2 of 4 stars). 2 submissions from 2 submitters: Uncertain significance (2). Last evaluated 2025-11-12.

Conditions:
Hereditary cancer-predisposing syndrome. Also called: Neoplastic Syndromes, Hereditary; Tumor predisposition; Hereditary Cancer Syndrome; Hereditary neoplastic syndrome. Identifiers: Orphanet 140162, MedGen C0027672, MeSH D009386, MONDO:0015356.

Allele frequency attached by ClinVar (database versions not stated): gnomAD exomes below 0.00001.
gnomAD v4.1: 1 of 1,613,440 alleles (0.000062%); highest among the groups gnomAD compares: Non-Finnish European, 0.000085%; no homozygotes.

Submissions (2):

Ambry Genetics
Classification: Uncertain significance for Hereditary cancer-predisposing syndrome. Last evaluated: 2025-11-12. Review status: criteria provided, single submitter. Criteria: Ambry Variant Classification Scheme 2023. Collection method: clinical testing. Allele origin: germline.
Comment: The p.G1308R variant (also known as c.3922G>A), located in coding exon 25 of the RAD50 gene, results from a G to A substitution at nucleotide position 3922. The glycine at codon 1308 is replaced by arginine, an amino acid with dissimilar properties. This amino acid position is conserved. In addition, this alteration is predicted to be tolerated by in silico analysis. Since supporting evidence is limited at this time, the clinical significance of this alteration remains unclear.

Labcorp Genetics (formerly Invitae), Labcorp
Classification: Uncertain significance for Hereditary cancer-predisposing syndrome. Last evaluated: 2022-09-29. Review status: criteria provided, single submitter. Criteria: Invitae Variant Classification Sherloc (09022015). Collection method: clinical testing. Allele origin: germline.
Comment: In summary, the available evidence is currently insufficient to determine the role of this variant in disease. Therefore, it has been classified as a Variant of Uncertain Significance. Algorithms developed to predict the effect of missense changes on protein structure and function (SIFT, PolyPhen-2, Align-GVGD) all suggest that this variant is likely to be tolerated. This variant has not been reported in the literature in individuals affected with RAD50-related conditions. This variant is not present in population databases (gnomAD no frequency). This sequence change replaces glycine, which is neutral and non-polar, with arginine, which is basic and polar, at codon 1308 of the RAD50 protein (p.Gly1308Arg).